The following is an entry in ClinVar:

ClinVar aggregate classification (germline): Likely benign (0 of 4 stars; one submission).

Conditions:
MSRA-related disorder. Also called: MSRA-related condition.

Allele frequency attached by ClinVar (database versions not stated): TOPMed 0.00003; ESP Exome Variant Server 0.00008; gnomAD 0.00013; ExAC 0.00049; 1000 Genomes Project 0.00060; 1000 Genomes Project 30x 0.00109.
gnomAD v4.1: 372 of 1,614,086 alleles (0.023%); highest among the groups gnomAD compares: South Asian, 0.33%; 2 homozygotes.

Submission:

PreventionGenetics, part of Exact Sciences
Classification: Likely benign for MSRA-related condition. Last evaluated: 2022-06-22. Review status: no assertion criteria provided. Collection method: clinical testing. Allele origin: germline.
Comment: This variant is classified as likely benign based on ACMG/AMP sequence variant interpretation guidelines (Richards et al. 2015 PMID: 25741868, with internal and published modifications).

NM_012331.5(MSRA):c.676G>A (p.Gly226Ser)

Gene: MSRA (methionine sulfoxide reductase A). Cytogenetic location: 8p23.1.
Variant type: single nucleotide variant.
Coding change: c.676G>A on transcript NM_012331.5 (MANE Select); coding-DNA position 676, G replaced by A.
Protein change: p.Gly226Ser; replaces glycine 226 with serine.
Molecular consequence: missense variant.
Genome position (GRCh38, 1-based): chr8:10,428,280, G>A. VCF-style: chr8-10428280-G-A. GRCh37 (hg19) VCF-style: chr8-10285790-G-A.
Other names: c.556G>A, p.Gly186Ser (NM_001135670.3); c.547G>A, p.Gly183Ser (NM_001135671.3); c.478G>A, p.Gly160Ser (NM_001199729.3); short protein forms G160S, G183S, G186S, G226S.
Identifiers: ClinVar variation 3044214 (VCV003044214.2), dbSNP rs199964551, ClinGen allele CA4622438.